The following is an entry in ClinVar:

NM_012199.5(AGO1):c.108C>G (p.Ile36Met)

Gene: AGO1 (argonaute RISC component 1; plus strand). Cytogenetic location: 1p34.3.
Variant type: single nucleotide variant.
Coding change: c.108C>G on transcript NM_012199.5 (MANE Select); coding-DNA position 108, C replaced by G.
Protein change: p.Ile36Met; replaces isoleucine 36 with methionine.
Molecular consequence: missense variant. On other transcripts: 5 prime UTR variant (1).
Genome position (GRCh38, 1-based): chr1:35,888,509, C>G. VCF-style: chr1-35888509-C-G. GRCh37 (hg19) VCF-style: chr1-36354110-C-G.
Other names: c.108C>G, p.Ile36Met (NM_001317122.2); c.-118C>G (NM_001317123.2); short protein forms I36M.
Identifiers: ClinVar variation 3368504 (VCV003368504.1).

ClinVar aggregate classification (germline): Uncertain significance (1 of 4 stars; one submission).

gnomAD v4.1: 1 of 1,614,124 alleles (0.000062%); highest among the groups gnomAD compares: Non-Finnish European, 0.000085%; no homozygotes.

Submission:

GeneDx
Classification: Uncertain significance. Last evaluated: 2024-02-07. Review status: criteria provided, single submitter. Criteria: GeneDx Variant Classification Process June 2021. Collection method: clinical testing. Allele origin: germline. Affected: yes.
Comment: Not observed at significant frequency in large population cohorts (gnomAD); In silico analysis supports that this missense variant does not alter protein structure/function; Has not been previously published as pathogenic or benign to our knowledge